The following is an entry in ClinVar:

ClinVar aggregate classification (germline): Conflicting classifications of pathogenicity. Review status: criteria provided, conflicting classifications (1 of 4 stars). 2 submissions from 2 submitters: Uncertain significance (1); Likely benign (1). Last evaluated 2025-07-14.

Conditions:
Hereditary cancer-predisposing syndrome. Also called: Hereditary Cancer Syndrome; Tumor predisposition; Neoplastic Syndromes, Hereditary; Hereditary neoplastic syndrome. Identifiers: Orphanet 140162, MedGen C0027672, MeSH D009386, MONDO:0015356.
Multiple endocrine neoplasia, type 1 (MEN1). Also called: Endocrine adenomatosis multiple; MEN 1; MEA I; MEN I; WERMER SYNDROME. Identifiers: Orphanet 652, MedGen C0025267, MeSH D018761, MONDO:0007540, OMIM 131100.

Allele frequency attached by ClinVar (database versions not stated): gnomAD exomes below 0.00001.
gnomAD v4.1: 1 of 1,613,924 alleles (0.000062%); highest among the groups gnomAD compares: Non-Finnish European, 0.000085%; no homozygotes.

Submissions (2):

Labcorp Genetics (formerly Invitae), Labcorp
Classification: Likely benign for Multiple endocrine neoplasia, type 1. Last evaluated: 2025-07-14. Review status: criteria provided, single submitter. Criteria: Invitae Variant Classification Sherloc (09022015). Collection method: clinical testing. Allele origin: germline.

Ambry Genetics
Classification: Uncertain significance for Hereditary cancer-predisposing syndrome. Last evaluated: 2025-05-17. Review status: criteria provided, single submitter. Criteria: Ambry Variant Classification Scheme 2023. Collection method: clinical testing. Allele origin: germline.
Comment: The p.A164S variant (also known as c.490G>T), located in coding exon 2 of the MEN1 gene, results from a G to T substitution at nucleotide position 490. The alanine at codon 164 is replaced by serine, an amino acid with similar properties. This amino acid position is highly conserved in available vertebrate species. In addition, this alteration is predicted to be deleterious by in silico analysis. Based on the available evidence, the clinical significance of this variant remains unclear.

NM_001370259.2(MEN1):c.490G>T (p.Ala164Ser)

Gene: MEN1 (menin 1; minus strand). Cytogenetic location: 11q13.1.
Variant type: single nucleotide variant.
Coding change: c.490G>T on transcript NM_001370259.2 (MANE Select); coding-DNA position 490, G replaced by T.
Protein change: p.Ala164Ser; replaces alanine 164 with serine.
Molecular consequence: missense variant.
Genome position (GRCh38, 1-based): chr11:64,808,055, C>A on the plus strand (G>T on the coding strand, the complement: MEN1 is on the minus strand). VCF-style: chr11-64808055-C-A. GRCh37 (hg19) VCF-style: chr11-64575527-C-A.
Other names: c.505G>T, p.Ala169Ser (NM_000244.4, NM_130800.3, NM_130801.3 and 3 more transcripts); c.490G>T, p.Ala164Ser (NM_001370251.2, NM_001370260.2, NM_001370261.2 and 3 more transcripts); short protein forms A169S, A164S.
Identifiers: ClinVar variation 651851 (VCV000651851.11), dbSNP rs1311408888, ClinGen allele CA381186123.
Genomic context (GRCh38, chr11:64,808,055, plus strand): 5'-CCCAGGCATGATCCTCAGACAGGGCGAGGTGGACATCCCGGAGACCCAGGGCCTGGCAGG[C>A]CCCAACCACAGCAAAGGCCACACCGGAGCTGTCCAATTTGGTGCCTGTGGAAGGGGGAGG-3'
Protein context (NP_001357188.2, residues 154-174): SSGVAFAVVG[Ala164Ser]CQALGLRDVH